The following is an entry in ClinVar:

NM_000521.4(HEXB):c.76del (p.Met26fs)

Gene: HEXB (hexosaminidase subunit beta; plus strand). Cytogenetic location: 5q13.3.
Variant type: Deletion.
Coding change: c.76del on transcript NM_000521.4 (MANE Select); coding-DNA position 76, one base deleted (A; older notation c.76delA).
Protein change: p.Met26fs; shifts the reading frame from methionine 26.
Molecular consequence: frameshift variant. On other transcripts: intron variant (1).
Genome position (GRCh38, 1-based): chr5:74,685,336, A deleted. VCF-style (leftmost placement, unchanged base first): chr5-74685335-GA-G. GRCh37 (hg19) VCF-style: chr5-73981160-GA-G.
Other names: c.-376-3992del (NM_001292004.2); short protein forms M26fs.
Identifiers: ClinVar variation 3886 (VCV000003886.5), dbSNP rs1580377105, ClinGen allele CA913185097.

ClinVar aggregate classification (germline): Pathogenic. Review status: criteria provided, single submitter (1 of 4 stars). 2 submissions from 2 submitters: Pathogenic (1). 1 of the submissions does not count toward it. Last evaluated 2022-06-13.

Conditions:
Sandhoff disease. Also called: Beta-hexosaminidase-beta-subunit deficiency; GM2 gangliosidosis, type 2; Total hexosaminidase deficiency; Sandhoff-Jatzkewitz-Pilz disease; GM2-GANGLIOSIDOSIS, TYPE II; HEXOSAMINIDASES A AND B DEFICIENCY. Identifiers: Orphanet 796, MedGen C0036161, MONDO:0010006, OMIM 268800.
Sandhoff disease, infantile form. Also called: Acute Infantile Sandhoff Disease; Sandhoff disease, infantile type. Identifiers: Orphanet 309155, MedGen C0751490, MONDO:0017721.

Allele frequency attached by ClinVar (database versions not stated): gnomAD exomes below 0.00001.

Submissions (2):

Labcorp Genetics (formerly Invitae), Labcorp
Classification: Pathogenic for Sandhoff disease. Last evaluated: 2022-06-13. Review status: criteria provided, single submitter. Criteria: Invitae Variant Classification Sherloc (09022015). Collection method: clinical testing. Allele origin: germline.
Comment: This sequence change creates a premature translational stop signal (p.Met26Cysfs*5) in the HEXB gene. It is expected to result in an absent or disrupted protein product. Loss-of-function variants in HEXB are known to be pathogenic (PMID: 7550345, 18758829). For these reasons, this variant has been classified as Pathogenic. ClinVar contains an entry for this variant (Variation ID: 3886). This premature translational stop signal has been observed in individual(s) with Sandhoff disease (PMID: 8045559). This variant is not present in population databases (gnomAD no frequency).

OMIM
Classification: Pathogenic for SANDHOFF DISEASE, INFANTILE. Last evaluated: 2000-07-01. Review status: no assertion criteria provided. Collection method: literature only. Allele origin: germline. Not counted in ClinVar's aggregate classification.

Literature cited by the submitters: PubMed 7550345 (cited by Labcorp Genetics (formerly Invitae), Labcorp); PubMed 18758829 (cited by Labcorp Genetics (formerly Invitae), Labcorp); PubMed 8045559 (cited by Labcorp Genetics (formerly Invitae), Labcorp and OMIM); PubMed 10982028 (cited by OMIM).